The following is an entry in ClinVar:

ClinVar aggregate classification (germline): Likely benign. Review status: criteria provided, multiple submitters, no conflicts (2 of 4 stars). 3 submissions from 3 submitters: Likely benign (3). Last evaluated 2026-04-21.

Conditions:
Colorectal cancer, susceptibility to, 1. Also called: COLORECTAL ADENOMA AND CANCER, SUSCEPTIBILITY TO; COLORECTAL CANCER, SUSCEPTIBILITY TO, ON CHROMOSOME 9. Identifiers: MedGen C1837315, MONDO:0012132, OMIM 608812.

Allele frequency attached by ClinVar (database versions not stated): 1000 Genomes Project 30x 0.00016; TOPMed 0.00006; 1000 Genomes Project 0.00020; gnomAD 0.00005; ESP Exome Variant Server 0.00008.
gnomAD v4.1: 87 of 1,613,478 alleles (0.0054%); highest among the groups gnomAD compares: African/African-American, 0.019%; no homozygotes.

Submissions (3):

Myriad Genetics, Inc.
Classification: Likely benign for Colorectal cancer, susceptibility to, 1. Last evaluated: 2026-04-21. Review status: criteria provided, single submitter. Criteria: Myriad Autosomal Dominant, Autosomal Recessive and X-Linked Classification Criteria (2023). Collection method: clinical testing. Allele origin: unknown.
Comment: This variant is considered likely benign. This variant is intronic and is not expected to impact mRNA splicing.

Labcorp Genetics (formerly Invitae), Labcorp
Classification: Likely benign. Last evaluated: 2025-12-21. Review status: criteria provided, single submitter. Criteria: Invitae Variant Classification Sherloc (09022015). Collection method: clinical testing. Allele origin: germline.

Department of Pathology and Laboratory Medicine, Sinai Health System
Classification: Likely benign for colorectal cancer, susceptibility to, 1. Last evaluated: 2023-08-02. Review status: criteria provided, single submitter. Criteria: ACMG Guidelines, 2015. Collection method: clinical testing. Allele origin: germline. Affected: yes.

NM_024642.5(GALNT12):c.372-13G>A

Gene: GALNT12 (polypeptide N-acetylgalactosaminyltransferase 12; plus strand). Cytogenetic location: 9q22.33.
Variant type: single nucleotide variant.
Coding change: c.372-13G>A on transcript NM_024642.5 (MANE Select); 13 bases into the intron before coding-DNA position 372, G replaced by A.
Molecular consequence: intron variant.
Genome position (GRCh38, 1-based): chr9:98,823,243, G>A. VCF-style: chr9-98823243-G-A. GRCh37 (hg19) VCF-style: chr9-101585525-G-A.
Identifiers: ClinVar variation 2060206 (VCV002060206.6), dbSNP rs374167975, ClinGen allele CA5153928.